The following is an entry in ClinVar:

NM_003491.4(NAA10):c.384T>A (p.Phe128Leu)

Gene: NAA10 (N-alpha-acetyltransferase 10, NatA catalytic subunit; minus strand). Cytogenetic location: Xq28.
Variant type: single nucleotide variant.
Coding change: c.384T>A on transcript NM_003491.4 (MANE Select); coding-DNA position 384, T replaced by A.
Protein change: p.Phe128Leu; replaces phenylalanine 128 with leucine.
Molecular consequence: missense variant. On other transcripts: intron variant (1).
Genome position (GRCh38, 1-based): chrX:153,932,073, A>T on the plus strand (T>A on the coding strand, the complement: NAA10 is on the minus strand). VCF-style: chrX-153932073-A-T. GRCh37 (hg19) VCF-style: chrX-153197526-A-T.
Other names: c.366T>A, p.Phe122Leu (NM_001256120.2); c.341+243T>A (NM_001256119.2); short protein forms F128L, F122L.
Identifiers: ClinVar variation 236258 (VCV000236258.5), dbSNP rs878853263, ClinGen allele CA10581582.

ClinVar aggregate classification (germline): Pathogenic. Review status: criteria provided, multiple submitters, no conflicts (2 of 4 stars). 3 submissions from 3 submitters: Pathogenic (2). 1 of the submissions does not count toward it. Last evaluated 2019-10-09.

Conditions:
Ogden syndrome (OGDNS). Also called: N-TERMINAL ACETYLTRANSFERASE DEFICIENCY. Identifiers: Orphanet 276432, MedGen C3275447, MONDO:0010457, OMIM 300855.

Submissions (3):

GeneDx
Classification: Pathogenic. Last evaluated: 2019-10-09. Review status: criteria provided, single submitter. Criteria: GeneDx Variant Classification Process June 2021. Collection method: clinical testing. Allele origin: germline. Affected: yes.
Comment: Published functional studies demonstrate that this variant results in over 90% reduction in catalytic activity (Saunier et al., 2016); Not observed in large population cohorts (Lek et al., 2016); This variant is associated with the following publications: (PMID: 28135719, 27094817)

Institute of Human Genetics, FAU Erlangen, Friedrich-Alexander-Universität Erlangen-Nürnberg
Classification: Pathogenic for Ogden syndrome. Last evaluated: 2016-03-31. Review status: criteria provided, single submitter. Criteria: ACMG Guidelines, 2015. Collection method: clinical testing. Allele origin: de novo. Affected: yes.

OMIM
Classification: Pathogenic for OGDEN SYNDROME. Last evaluated: 2022-09-08. Review status: no assertion criteria provided. Collection method: literature only. Allele origin: germline. Not counted in ClinVar's aggregate classification.

Literature cited by the submitters: PubMed 27094817 (cited by Institute of Human Genetics, FAU Erlangen, Friedrich-Alexander-Universität Erlangen-Nürnberg and OMIM).